The following is an entry in ClinVar:

NM_000545.8(HNF1A):c.1859C>T (p.Thr620Ile)

Genes: C12orf43 (chromosome 12 open reading frame 43; minus strand), HNF1A (HNF1 homeobox A; plus strand). Cytogenetic location: 12q24.31.
Variant type: single nucleotide variant.
Coding change: c.1859C>T on transcript NM_000545.8 (MANE Select); coding-DNA position 1859, C replaced by T.
Protein change: p.Thr620Ile; replaces threonine 620 with isoleucine.
Molecular consequence: missense variant. On other transcripts: 3 prime UTR variant (3).
Genome position (GRCh38, 1-based): chr12:121,001,155, C>T. VCF-style: chr12-121001155-C-T. GRCh37 (hg19) VCF-style: chr12-121438958-C-T.
Other names: NM_000545.8(HNF1A):c.1859C>T; p.Thr620Ile; c.*2998G>A (NM_001286191.2, NM_001286196.2, NM_022895.3); c.1880C>T, p.Thr627Ile (NM_001306179.2); c.1667C>T, p.Thr556Ile (NM_001406915.1); short protein forms T620I, T627I, T556I.
Identifiers: ClinVar variation 14935 (VCV000014935.6), dbSNP rs137853241, ClinGen allele CA124466.

ClinVar aggregate classification (germline): Uncertain significance. Review status: reviewed by expert panel (3 of 4 stars). 3 submissions from 3 submitters: Uncertain significance (1). 2 of the submissions do not count toward it. Last evaluated 2025-09-02.

Conditions:
Monogenic diabetes. Identifiers: Orphanet 183625, MedGen C3888631, MONDO:0015967.
Maturity-onset diabetes of the young type 3. Also called: MODY type 3; MODY, type III. Identifiers: Orphanet 552, MedGen C1838100, MeSH C563933, MONDO:0010894, OMIM 600496. Disease mechanism: loss of function.

Submissions (3):

ClinGen Monogenic Diabetes Variant Curation Expert Panel
Classification: Uncertain significance for Monogenic diabetes. Last evaluated: 2025-09-02. Review status: reviewed by expert panel. Criteria: ClinGen Diabetes ACMG Specifications HNF1A V3.0.0. Collection method: curation. Allele origin: germline. Inheritance: Autosomal dominant inheritance.
Comment: The c.1859C>T variant in the HNF1 homeobox A gene, HNF1A, causes an amino acid change of threonine to isoleucine at codon 620 (p.Thr620Ile) of NM_000545.8. This variant is absent from gnomAD v4.1.0 (PM2_Supporting). This variant was identified in three unrelated individuals with non-autoimmune and non-absolute/near-absolute insulin-deficient diabetes; however, PS4_Moderate cannot be applied because this number is below the ClinGen MDEP threshold (PMID: 9075818, 25414397, 10482964, internal lab contributors). One of these individuals did have a clinical history highly specific for HNF1A-MODY (MODY probability calculator result >50%, negative genetic testing for HNF4A) (PP4; internal lab contributors). Furthermore, this variant segregated with diabetes, with 7 informative meioses in a single family (PP1_Strong; PMID: 10482964). Functional studies demonstrated the p.Thr620Ile protein has transactivation above 75% of wildtype, indicating that this variant does not impact protein function (PMID: 12530534) (BS3_Supporting). In summary, c.1859C>T meets the criteria to be classified as a variant of uncertain significance for monogenic diabetes. ACMG/AMP criteria applied, as specified by the ClinGen MDEP (specification version 3.0.0 approved 6/30/2025): PM2_Supporting, PP1_Strong, BS3_Supporting, BS2, PP4.

Women's Health and Genetics/Laboratory Corporation of America, LabCorp
Classification: Uncertain significance. Last evaluated: 2022-09-07. Review status: criteria provided, single submitter. Criteria: LabCorp Variant Classification Summary - May 2015. Collection method: clinical testing. Allele origin: germline. Not counted in ClinVar's aggregate classification.
Comment: Variant summary: HNF1A c.1859C>T (p.Thr620Ile) results in a non-conservative amino acid change located in the Hepatocyte nuclear factor 1, alpha isoform C-terminal domain (IPR006898) of the encoded protein sequence. Five of five in-silico tools predict a damaging effect of the variant on protein function. The variant was absent in 250922 control chromosomes. The available data on variant occurrences in the general population are insufficient to allow any conclusion about variant significance. Since the penetrance of Maturity Onset Diabetes Of The Young 3 due to this variant appears to be lower than expected, no conclusions can be drawn from these data. At least one publication reports experimental evidence evaluating an impact on protein function (Thomas_2002). These results showed no damaging effect of this variant on transactivation potential. One expert panel (ClinGen Monogenic Diabetes Variant Curation Expert Panel) has submitted clinical-significance assessments for this variant to ClinVar after 2014 and classified the variant as uncertain significance. Based on the evidence outlined above, the variant was classified as uncertain significance.

OMIM
Classification: Pathogenic for MATURITY-ONSET DIABETES OF THE YOUNG, TYPE 3. Last evaluated: 1999-09-01. Review status: no assertion criteria provided. Collection method: literature only. Allele origin: germline. Not counted in ClinVar's aggregate classification.

Literature cited by the submitters: PubMed 9075818 (cited by ClinGen Monogenic Diabetes Variant Curation Expert Panel and Women's Health and Genetics/Laboratory Corporation of America, LabCorp); PubMed 25414397 (cited by ClinGen Monogenic Diabetes Variant Curation Expert Panel and Women's Health and Genetics/Laboratory Corporation of America, LabCorp); PubMed 10482964 (cited by 3 submitters); PubMed 10333057 (cited by Women's Health and Genetics/Laboratory Corporation of America, LabCorp); PubMed 12530534 (cited by Women's Health and Genetics/Laboratory Corporation of America, LabCorp); PubMed 26287533 (cited by Women's Health and Genetics/Laboratory Corporation of America, LabCorp).